The following is an entry in ClinVar:

NM_017802.4(DNAAF5):c.553_572del (p.Glu185fs)

Genes: DNAAF5 (dynein axonemal assembly factor 5; plus strand), PRKAR1B (protein kinase cAMP-dependent type I regulatory subunit beta; minus strand), LOC129997731 (ATAC-STARR-seq lymphoblastoid silent region 17817; plus strand). Cytogenetic location: 7p22.3.
Variant type: Deletion.
Coding change: c.553_572del on transcript NM_017802.4 (MANE Select); coding-DNA positions 553 to 572, 20 bases deleted (GAGAGCTGCAGCTGCGCCGC).
Protein change: p.Glu185fs; shifts the reading frame from glutamic acid 185.
Molecular consequence: frameshift variant. On other transcripts: non-coding transcript variant (1), intron variant (2).
Genome position (GRCh38, 1-based): chr7:727,273-727,292, GAGAGCTGCAGCTGCGCCGC deleted; deleting any 20 consecutive bases within chr7:727,265-727,292 gives the same sequence; the c. name uses the placement nearest the transcript's 3' end. VCF-style (leftmost placement, unchanged base first): chr7-727264-GTGCGCCGCGAGAGCTGCAGC-G. GRCh37 (hg19) VCF-style: chr7-766901-GTGCGCCGCGAGAGCTGCAGC-G.
Other names: c.553_572del20 (NM_017802.3); c.-23+371_-23+390del (NM_001164759.1); c.-23+306_-23+325del (NM_001164758.2); short protein forms E185fs.
Identifiers: ClinVar variation 3359268 (VCV003359268.4).

ClinVar aggregate classification (germline): Conflicting classifications of pathogenicity. Review status: criteria provided, conflicting classifications (1 of 4 stars). 3 submissions from 3 submitters: Pathogenic (1); Likely pathogenic (1); Uncertain significance (1). Last evaluated 2025-01-13.

Conditions:
DNAAF5-related disorder. Also called: DNAAF5-related condition.
Primary ciliary dyskinesia. Also called: Ciliary dyskinesia. Identifiers: Orphanet 244, MedGen C0008780, MONDO:0016575, HP:0012265.

Submissions (3):

PreventionGenetics, part of Exact Sciences
Classification: Likely pathogenic for DNAAF5-related condition. Last evaluated: 2025-01-13. Review status: criteria provided, single submitter. Criteria: ACMG Guidelines, 2015. Collection method: clinical testing. Allele origin: germline.
Comment: The DNAAF5 c.553_572del20 variant is predicted to result in a frameshift and premature protein termination (p.Glu185Argfs*38). To our knowledge, this variant has not been reported in the literature. This variant is reported in 0.011% of alleles in individuals of African descent in gnomAD. Frameshift variants in DNAAF5 are expected to be pathogenic. This variant is interpreted as likely pathogenic.

Labcorp Genetics (formerly Invitae), Labcorp
Classification: Pathogenic for Primary ciliary dyskinesia. Last evaluated: 2024-07-01. Review status: criteria provided, single submitter. Criteria: Invitae Variant Classification Sherloc (09022015). Collection method: clinical testing. Allele origin: germline.
Comment: This sequence change creates a premature translational stop signal (p.Glu185Argfs*38) in the DNAAF5 gene. It is expected to result in an absent or disrupted protein product. Loss-of-function variants in DNAAF5 are known to be pathogenic (PMID: 24307375, 25232951). This variant is present in population databases (rs755341023, gnomAD 0.01%). This variant has not been reported in the literature in individuals affected with DNAAF5-related conditions. For these reasons, this variant has been classified as Pathogenic.

GeneDx
Classification: Uncertain significance. Last evaluated: 2023-06-09. Review status: criteria provided, single submitter. Criteria: GeneDx Variant Classification Process June 2021. Collection method: clinical testing. Allele origin: germline. Affected: yes.
Comment: Frameshift variant predicted to result in protein truncation or nonsense mediated decay in a gene for which loss of function is not an established mechanism of disease; Has not been previously published as pathogenic or benign to our knowledge

Literature cited by the submitters: PubMed 24307375 (cited by Labcorp Genetics (formerly Invitae), Labcorp); PubMed 25232951 (cited by Labcorp Genetics (formerly Invitae), Labcorp).